The following is an entry in ClinVar:

ClinVar aggregate classification (germline): Benign/Likely benign. Review status: criteria provided, multiple submitters, no conflicts (2 of 4 stars). 5 submissions from 5 submitters: Benign (1); Likely benign (4). Last evaluated 2026-07-01.

Allele frequency attached by ClinVar (database versions not stated): 1000 Genomes Project 0.00280; gnomAD 0.00315; 1000 Genomes Project 30x 0.00328; TOPMed 0.00365; gnomAD exomes 0.00392 and 0.00517; ExAC 0.00409; ESP Exome Variant Server 0.00480.
gnomAD v4.1: 8,161 of 1,614,044 alleles (0.51%); highest among the groups gnomAD compares: Middle Eastern, 1.4%; 38 homozygotes.

Submissions (5):

CeGaT Center for Human Genetics Tuebingen
Classification: Likely benign. Last evaluated: 2026-07-01. Review status: criteria provided, single submitter. Criteria: CeGaT Center For Human Genetics Tuebingen Variant Classification Criteria Version 2. Collection method: clinical testing. Allele origin: germline. Affected: yes. Observed: 24 variant alleles.
Comment: RIN2: BP4, BP7, BS2

Labcorp Genetics (formerly Invitae), Labcorp
Classification: Benign. Last evaluated: 2026-02-02. Review status: criteria provided, single submitter. Criteria: Invitae Variant Classification Sherloc (09022015). Collection method: clinical testing. Allele origin: germline.

GeneDx
Classification: Likely benign. Last evaluated: 2021-03-23. Review status: criteria provided, single submitter. Criteria: GeneDx Variant Classification Process June 2021. Collection method: clinical testing. Allele origin: germline. Affected: yes.

Genetic Services Laboratory, University of Chicago
Classification: Likely benign. Last evaluated: 2015-06-26. Review status: criteria provided, single submitter. Criteria: ACMG Guidelines, 2015. Collection method: clinical testing. Allele origin: germline.

Breakthrough Genomics
Classification: Likely benign. Review status: criteria provided, single submitter. Criteria: ACMG Guidelines, 2015. Collection method: not provided. Allele origin: germline. Inheritance: Autosomal recessive inheritance. Affected: yes.

NM_018993.4(RIN2):c.1425C>A (p.Pro475=)

Gene: RIN2 (Ras and Rab interactor 2; plus strand). Cytogenetic location: 20p11.23.
Variant type: single nucleotide variant.
Coding change: c.1425C>A on transcript NM_018993.4 (MANE Select); coding-DNA position 1425, C replaced by A.
Protein change: p.Pro475=; no amino-acid change (proline 475 retained).
Molecular consequence: synonymous variant.
Genome position (GRCh38, 1-based): chr20:19,975,450, C>A. VCF-style: chr20-19975450-C-A. GRCh37 (hg19) VCF-style: chr20-19956094-C-A.
Other names: c.1572C>A, p.Pro524= (NM_001242581.2); c.807C>A, p.Pro269= (NM_001378238.1).
Identifiers: ClinVar variation 212053 (VCV000212053.58), dbSNP rs188147644, ClinGen allele CA206948.